The following is an entry in ClinVar:

ClinVar aggregate classification (germline): Uncertain significance (1 of 4 stars; one submission).

gnomAD v4.1: 8 of 1,614,220 alleles (0.0005%); highest among the groups gnomAD compares: East Asian, 0.0022%; no homozygotes.

Submission:

Genetic Services Laboratory, University of Chicago
Classification: Uncertain significance. Last evaluated: 2023-12-07. Review status: criteria provided, single submitter. Criteria: ACMG Guidelines, 2015. Collection method: clinical testing. Allele origin: germline. Affected: no.
Comment: DNA sequence analysis of the ABCC8 gene demonstrated a sequence change, c.4054C>T, in exon 33 that results in an amino acid change, p.Arg1352Cys. This sequence change does not appear to have been previously described in individuals with ABCC8-related disorders and has also not been described in the population databases such as ExAC and gnomAD. The p.Arg1352Cys change affects a highly conserved amino acid residue located in a domain of the ABCC8 protein that is known to be functional. In-silico pathogenicity prediction tools (SIFT, PolyPhen2, Align GVGD, REVEL) provide contradictory results for the p.Arg1352Cys substitution. Due to insufficient evidence and the lack of functional studies, the clinical significance of the p.Arg1352Cys change remains unknown at this time.

NM_000352.6(ABCC8):c.4054C>T (p.Arg1352Cys)

Gene: ABCC8 (ATP binding cassette subfamily C member 8; minus strand). Cytogenetic location: 11p15.1.
Variant type: single nucleotide variant.
Coding change: c.4054C>T on transcript NM_000352.6 (MANE Select); coding-DNA position 4054, C replaced by T.
Protein change: p.Arg1352Cys; replaces arginine 1352 with cysteine.
Molecular consequence: missense variant. On other transcripts: non-coding transcript variant (1).
Genome position (GRCh38, 1-based): chr11:17,396,981, G>A on the plus strand (C>T on the coding strand, the complement: ABCC8 is on the minus strand). VCF-style: chr11-17396981-G-A. GRCh37 (hg19) VCF-style: chr11-17418528-G-A.
Other names: c.4057C>T, p.Arg1353Cys (NM_001287174.3); c.4120C>T, p.Arg1374Cys (NM_001351295.2); c.4054C>T, p.Arg1352Cys (NM_001351296.2); c.4051C>T, p.Arg1351Cys (NM_001351297.2); short protein forms R1351C, R1352C, R1353C, R1374C.
Identifiers: ClinVar variation 4082472 (VCV004082472.2).
Genomic context (GRCh38, chr11:17,396,981, plus strand): 5'-GTCCAGGGGCGATGAGGGCATTGACGTGCTTCAGCACCGGCTTCAGGGAGCTGTCGTAGC[G>A]CACGCTCAGGTTCTGGATCTGGATCTTCCCTTGGTCTGGCCAGTTCTTTGGGATCAGCGA-3'
Protein context (NP_000343.2, residues 1342-1362): GKIQIQNLSV[Arg1352Cys]YDSSLKPVLK